The following is an entry in ClinVar:

ClinVar aggregate classification (germline): Benign/Likely benign. Review status: criteria provided, multiple submitters, no conflicts (2 of 4 stars). 4 submissions from 4 submitters: Benign (1); Likely benign (3). Last evaluated 2024-10-01.

Conditions:
Hereditary cancer-predisposing syndrome. Also called: Tumor predisposition; Hereditary neoplastic syndrome; Hereditary Cancer Syndrome; Neoplastic Syndromes, Hereditary. Identifiers: Orphanet 140162, MedGen C0027672, MeSH D009386, MONDO:0015356.
Familial cancer of breast. Also called: hereditary breast carcinoma; Hereditary breast cancer; BREAST CANCER, FAMILIAL. Identifiers: Orphanet 227535, MedGen C0346153, MONDO:0016419, OMIM 114480. Disease mechanism: loss of function.

Allele frequency attached by ClinVar (database versions not stated): gnomAD exomes below 0.00001.
gnomAD v4.1: 1 of 1,613,892 alleles (0.000062%); highest among the groups gnomAD compares: South Asian, 0.0011%; no homozygotes.

Submissions (4):

Myriad Genetics, Inc.
Classification: Benign for Familial cancer of breast. Last evaluated: 2024-10-01. Review status: criteria provided, single submitter. Criteria: Myriad Autosomal Dominant, Autosomal Recessive and X-Linked Classification Criteria (2023). Collection method: clinical testing. Allele origin: unknown.
Comment: This variant is considered benign. This variant is a silent/synonymous amino acid change and it is not expected to impact splicing.

Ambry Genetics
Classification: Likely benign for Hereditary cancer-predisposing syndrome. Last evaluated: 2024-05-19. Review status: criteria provided, single submitter. Criteria: Ambry Variant Classification Scheme 2023. Collection method: clinical testing. Allele origin: germline.

Labcorp Genetics (formerly Invitae), Labcorp
Classification: Likely benign for Familial cancer of breast. Last evaluated: 2022-01-11. Review status: criteria provided, single submitter. Criteria: Invitae Variant Classification Sherloc (09022015). Collection method: clinical testing. Allele origin: germline.

Color Diagnostics, LLC DBA Color Health
Classification: Likely benign for Hereditary cancer-predisposing syndrome. Last evaluated: 2020-12-08. Review status: criteria provided, single submitter. Criteria: ACMG Guidelines, 2015. Collection method: clinical testing. Allele origin: germline.

NM_007194.4(CHEK2):c.180G>A (p.Leu60=)

Gene: CHEK2 (checkpoint kinase 2; minus strand). Cytogenetic location: 22q12.1.
Variant type: single nucleotide variant.
Coding change: c.180G>A on transcript NM_007194.4 (MANE Select); coding-DNA position 180, G replaced by A.
Protein change: p.Leu60=; no amino-acid change (leucine 60 retained).
Molecular consequence: synonymous variant.
Genome position (GRCh38, 1-based): chr22:28,734,542, C>T on the plus strand (G>A on the coding strand, the complement: CHEK2 is on the minus strand). VCF-style: chr22-28734542-C-T. GRCh37 (hg19) VCF-style: chr22-29130530-C-T.
Other names: c.180G>A, p.Leu60= (NM_001005735.3, NM_001349956.3, NM_145862.3); c.-598G>A (NM_001257387.3).
Identifiers: ClinVar variation 1172456 (VCV001172456.9), dbSNP rs2146148626, ClinGen allele CA513946557.
Genomic context (GRCh38, chr22:28,734,542, plus strand): 5'-AGGTTCTTGGTCCTCAGGAATAGAATAGAGTTCCTGAGTGGACACTGTCTCTAAGGAGCT[C>T]AGTGTCCCAGAGCTGGAGTGAGAGGACTGGCTGGAGTTTGGCATCGTGCTGGTAGAGGAG-3'
Protein context (NP_009125.1, residues 50-70): SQSSHSSSGT[Leu60=]SSLETVSTQE